The following is an entry in ClinVar:

NM_000071.3(CBS):c.887C>T (p.Thr296Met)

Gene: CBS (cystathionine beta-synthase; minus strand). Cytogenetic location: 21q22.3.
Variant type: single nucleotide variant.
Coding change: c.887C>T on transcript NM_000071.3 (MANE Select); coding-DNA position 887, C replaced by T.
Protein change: p.Thr296Met; replaces threonine 296 with methionine.
Molecular consequence: missense variant.
Genome position (GRCh38, 1-based): chr21:43,063,020, G>A on the plus strand (C>T on the coding strand, the complement: CBS is on the minus strand). VCF-style: chr21-43063020-G-A. GRCh37 (hg19) VCF-style: chr21-44483130-G-A.
Other names: p.Thr296Met; c.887C>T, p.Thr296Met (NM_001178008.3, NM_001178009.3, NM_001320298.2); c.572C>T, p.Thr191Met (NM_001321072.1); short protein forms T296M, T191M.
Identifiers: ClinVar variation 471368 (VCV000471368.12), dbSNP rs562530775, ClinGen allele CA321091405.
Genomic context (GRCh38, chr21:43,063,020, plus strand): 5'-TCCAGCACCGTGGGGATGAAGTCGTAGCCGATCCCTTCCACCTCGTAGGTTGTCTGCTCC[G>A]TCTGGTTCAGCTCCTCCGGCTCTGCGAGGATGGACCCTTCGGGATCCACCCCAATGATCT-3'
Protein context (NP_000062.1, residues 286-306): ILAEPEELNQ[Thr296Met]EQTTYEVEGI

ClinVar aggregate classification (germline): Conflicting classifications of pathogenicity. Review status: criteria provided, conflicting classifications (1 of 4 stars). 7 submissions from 7 submitters: Uncertain significance (5); Likely benign (1). 1 of the submissions does not count toward it. Last evaluated 2024-11-19.

Conditions:
HYPERHOMOCYSTEINEMIA, THROMBOTIC, CBS-RELATED. Identifiers: MedGen C3150344, OMIM 236200.
Classic homocystinuria. Also called: Homocystinuria due to Cystathionine Beta-Synthase Deficiency; HOMOCYSTINURIA WITH OR WITHOUT RESPONSE TO PYRIDOXINE; Homocystinuria due to CBS deficiency; Cystathionine beta-synthase deficiency; CBS deficiency. Identifiers: Orphanet 394, MedGen C0751202, MONDO:0009352, OMIM 236200.
Familial thoracic aortic aneurysm and aortic dissection (TAAD). Also called: Thoracic aortic aneurysms and dissections. Identifiers: Orphanet 91387, MedGen C4707243, MONDO:0019625.

Allele frequency attached by ClinVar (database versions not stated): 1000 Genomes Project 0.00020.

Submissions (7):

GeneDx
Classification: Uncertain significance. Last evaluated: 2024-11-19. Review status: criteria provided, single submitter. Criteria: GeneDx Variant Classification Process June 2021. Collection method: clinical testing. Allele origin: germline. Affected: yes.
Comment: In silico analysis supports that this missense variant has a deleterious effect on protein structure/function; Has not been previously published as pathogenic or benign to our knowledge

ARUP Laboratories, Molecular Genetics and Genomics, ARUP Laboratories
Classification: Uncertain significance. Last evaluated: 2024-11-05. Review status: criteria provided, single submitter. Criteria: ARUP Molecular Germline Variant Investigation Process 2024. Collection method: clinical testing. Allele origin: germline.
Comment: The CBS c.887C>T; p.Thr296Met variant (rs562530775), to our knowledge, is not reported in the medical literature but is reported in ClinVar (Variation ID: 471368). This variant is found in the general population with an overall allele frequency of 0.024% (61/ 251398 alleles) in the Genome Aggregation Database (v2.1.1). Computational analyses are uncertain whether this variant is neutral or deleterious (REVEL: 0.59). Due to limited information, the clinical significance of this variant is uncertain at this time.

Mayo Clinic Laboratories, Mayo Clinic
Classification: Uncertain significance. Last evaluated: 2023-11-24. Review status: criteria provided, single submitter. Criteria: ACMG Guidelines, 2015. Collection method: clinical testing. Allele origin: germline. Observed: 1 variant allele.

Labcorp Genetics (formerly Invitae), Labcorp
Classification: Uncertain significance for HYPERHOMOCYSTEINEMIA, THROMBOTIC, CBS-RELATED. Last evaluated: 2022-03-04. Review status: criteria provided, single submitter. Criteria: Invitae Variant Classification Sherloc (09022015). Collection method: clinical testing. Allele origin: germline.
Comment: This sequence change replaces threonine, which is neutral and polar, with methionine, which is neutral and non-polar, at codon 296 of the CBS protein (p.Thr296Met). This variant is present in population databases (rs562530775, gnomAD 0.2%). This variant has not been reported in the literature in individuals affected with CBS-related conditions. ClinVar contains an entry for this variant (Variation ID: 471368). Algorithms developed to predict the effect of missense changes on protein structure and function are either unavailable or do not agree on the potential impact of this missense change (SIFT: "Deleterious"; PolyPhen-2: "Possibly Damaging"; Align-GVGD: "Class C0"). In summary, the available evidence is currently insufficient to determine the role of this variant in disease. Therefore, it has been classified as a Variant of Uncertain Significance.

Ambry Genetics
Classification: Likely benign for Familial thoracic aortic aneurysm and aortic dissection. Last evaluated: 2022-01-26. Review status: criteria provided, single submitter. Criteria: Ambry Variant Classification Scheme 2023. Collection method: clinical testing. Allele origin: germline.

Fulgent Genetics
Classification: Uncertain significance for Classic homocystinuria. Last evaluated: 2018-10-31. Review status: criteria provided, single submitter. Criteria: ACMG Guidelines, 2015. Collection method: clinical testing. Allele origin: unknown.

Natera, Inc.
Classification: Uncertain significance for Homocystinuria due to cystathionine beta-synthase deficiency. Last evaluated: 2020-09-16. Review status: no assertion criteria provided. Collection method: clinical testing. Allele origin: germline. Not counted in ClinVar's aggregate classification.